The following is an entry in ClinVar:

NM_000350.3(ABCA4):c.2807del (p.Lys936fs)

Gene: ABCA4 (ATP binding cassette subfamily A member 4; minus strand). Cytogenetic location: 1p22.1.
Variant type: Deletion.
Coding change: c.2807del on transcript NM_000350.3 (MANE Select); coding-DNA position 2807, one base deleted (A; older notation c.2807delA).
Protein change: p.Lys936fs; shifts the reading frame from lysine 936.
Molecular consequence: frameshift variant.
Genome position (GRCh38, 1-based): chr1:94,047,030, T deleted on the plus strand (A on the coding strand, the reverse complement: ABCA4 is on the minus strand); the first of 3 consecutive T bases (chr1:94,047,030-94,047,032); deleting any one gives the same sequence. VCF-style (leftmost placement, unchanged base first): chr1-94047029-CT-C. GRCh37 (hg19) VCF-style: chr1-94512585-CT-C.
Other names: c.2583delA, p.Lys862Argfs (NM_001425324.1); c.2807delA (NM_000350.3); short protein forms K936fs.
Identifiers: ClinVar variation 1429394 (VCV001429394.7), dbSNP rs2101057370, ClinGen allele CA2573132718.

ClinVar aggregate classification (germline): Pathogenic. Review status: criteria provided, single submitter (1 of 4 stars). 2 submissions from 2 submitters: Pathogenic (1). 1 of the submissions does not count toward it. Last evaluated 2023-07-17.

Conditions:
Stargardt disease (FFM). Also called: Stargardt's disease; Fundus flavimaculatus. Identifiers: Orphanet 827, MedGen C0271093, MONDO:0019353.

Submissions (2):

Labcorp Genetics (formerly Invitae), Labcorp
Classification: Pathogenic. Last evaluated: 2023-07-17. Review status: criteria provided, single submitter. Criteria: Invitae Variant Classification Sherloc (09022015). Collection method: clinical testing. Allele origin: germline.
Comment: This variant has not been reported in the literature in individuals affected with ABCA4-related conditions. This variant is not present in population databases (gnomAD no frequency). This sequence change creates a premature translational stop signal (p.Lys936Argfs*14) in the ABCA4 gene. It is expected to result in an absent or disrupted protein product. Loss-of-function variants in ABCA4 are known to be pathogenic (PMID: 10958761, 24938718, 25312043, 26780318). ClinVar contains an entry for this variant (Variation ID: 1429394). For these reasons, this variant has been classified as Pathogenic.

Ophthalmo-Genetics Lab, Instituto de Oftalmologia Conde de Valenciana
Classification: Pathogenic for Stargardt disease. Last evaluated: 2022-12-20. Review status: no assertion criteria provided. Collection method: research. Allele origin: biparental. Inheritance: Autosomal recessive inheritance. Affected: yes. Observed: 1 compound heterozygote. Not counted in ClinVar's aggregate classification.
Comment: PM2,PM3,PP4,PP5,PVS1 ACMG Criteria

Literature cited by the submitters: PubMed 10958761 (cited by Labcorp Genetics (formerly Invitae), Labcorp); PubMed 24938718 (cited by Labcorp Genetics (formerly Invitae), Labcorp); PubMed 25312043 (cited by Labcorp Genetics (formerly Invitae), Labcorp); PubMed 26780318 (cited by Labcorp Genetics (formerly Invitae), Labcorp); PubMed 35608843 (cited by Ophthalmo-Genetics Lab, Instituto de Oftalmologia Conde de Valenciana).